The following is an entry in ClinVar:

NM_004656.4(BAP1):c.1562G>A (p.Ser521Asn)

Gene: BAP1 (BRCA1 associated deubiquitinase 1; minus strand). Cytogenetic location: 3p21.1.
Variant type: single nucleotide variant.
Coding change: c.1562G>A on transcript NM_004656.4 (MANE Select); coding-DNA position 1562, G replaced by A.
Protein change: p.Ser521Asn; replaces serine 521 with asparagine.
Molecular consequence: missense variant.
Genome position (GRCh38, 1-based): chr3:52,403,583, C>T on the plus strand (G>A on the coding strand, the complement: BAP1 is on the minus strand). VCF-style: chr3-52403583-C-T. GRCh37 (hg19) VCF-style: chr3-52437599-C-T.
Other names: c.1508G>A, p.Ser503Asn (NM_001410772.1); short protein forms S503N, S521N.
Identifiers: ClinVar variation 5032765 (VCV005032765.1).
Genomic context (GRCh38, chr3:52,403,583, plus strand): 5'-ACACGCAGCAGGCTGTCATCCTCTCCAAAAAGCACCTTGGAGATGTGGGAGGTGACAGGG[C>T]TGGAGGGCCGCGTCGGGTTGGCTGAGCGGATAGGCGAGCGCAGTGGCGAGTTGAAAGCAC-3'
Protein context (NP_004647.1, residues 511-531): IRSANPTRPS[Ser521Asn]PVTSHISKVL

ClinVar aggregate classification (germline): Uncertain significance (1 of 4 stars; one submission).

Conditions:
Hereditary cancer-predisposing syndrome. Also called: Neoplastic Syndromes, Hereditary; Tumor predisposition; Hereditary neoplastic syndrome; Hereditary Cancer Syndrome. Identifiers: Orphanet 140162, MedGen C0027672, MeSH D009386, MONDO:0015356.

Submission:

Ambry Genetics
Classification: Uncertain significance for Hereditary cancer-predisposing syndrome. Last evaluated: 2026-09-13. Review status: criteria provided, single submitter. Criteria: Ambry Variant Classification Scheme 2023. Collection method: clinical testing. Allele origin: germline.
Comment: The p.S521N variant (also known as c.1562G>A), located in coding exon 13 of the BAP1 gene, results from a G to A substitution at nucleotide position 1562. The serine at codon 521 is replaced by asparagine, an amino acid with highly similar properties. This amino acid position is conserved. In addition, this alteration is predicted to be tolerated by in silico analysis. Based on the available evidence, the clinical significance of this variant remains unclear.